The following is an entry in ClinVar:

ClinVar aggregate classification (germline): Pathogenic (1 of 4 stars; one submission).

Conditions:
Dyskeratosis congenita, autosomal recessive 5 (DKCB5). Identifiers: MedGen C3554656, MONDO:0014076, OMIM 615190.
Pulmonary fibrosis and/or bone marrow failure, Telomere-related, 3. Also called: PULMONARY FIBROSIS AND/OR BONE MARROW FAILURE SYNDROME, TELOMERE-RELATED, 3. Identifiers: Orphanet 2032, MedGen C4225346, MONDO:0014613, OMIM 616373.

gnomAD v4.1: 1 of 1,612,672 alleles (0.000062%); highest among the groups gnomAD compares: Non-Finnish European, 0.000085%; no homozygotes.

Submission:

Labcorp Genetics (formerly Invitae), Labcorp
Classification: Pathogenic for Dyskeratosis congenita, autosomal recessive 5; Pulmonary fibrosis and/or bone marrow failure, Telomere-related, 3. Last evaluated: 2022-12-06. Review status: criteria provided, single submitter. Criteria: Invitae Variant Classification Sherloc (09022015). Collection method: clinical testing. Allele origin: germline.
Comment: This variant is not present in population databases (gnomAD no frequency). This variant has not been reported in the literature in individuals affected with RTEL1-related conditions. For these reasons, this variant has been classified as Pathogenic. This sequence change creates a premature translational stop signal (p.Gln905*) in the RTEL1 gene. It is expected to result in an absent or disrupted protein product. Loss-of-function variants in RTEL1 are known to be pathogenic (PMID: 23453664, 23959892, 25607374).

Literature cited by the submitters: PubMed 23453664; PubMed 23959892; PubMed 25607374.

NM_001283009.2(RTEL1):c.2713C>T (p.Gln905Ter)

Genes: RTEL1 (regulator of telomere elongation helicase 1; plus strand), RTEL1-TNFRSF6B (RTEL1-TNFRSF6B readthrough (NMD candidate); plus strand). Cytogenetic location: 20q13.33.
Variant type: single nucleotide variant.
Coding change: c.2713C>T on transcript NM_001283009.2 (MANE Select); coding-DNA position 2713, C replaced by T.
Protein change: p.Gln905Ter; replaces glutamine 905 with a stop codon.
Molecular consequence: nonsense. On other transcripts: non-coding transcript variant (1).
Genome position (GRCh38, 1-based): chr20:63,692,865, C>T. VCF-style: chr20-63692865-C-T. GRCh37 (hg19) VCF-style: chr20-62324218-C-T.
Other names: c.2044C>T, p.Gln682Ter (NM_001283010.1); c.2713C>T, p.Gln905Ter (NM_016434.4); c.2785C>T, p.Gln929Ter (NM_032957.5); short protein forms Q929*, Q682*, Q905*.
Identifiers: ClinVar variation 2942103 (VCV002942103.3), dbSNP rs768610590, ClinGen allele CA409682891.